The following is an entry in ClinVar:

NM_006206.6(PDGFRA):c.767A>G (p.Lys256Arg)

Gene: PDGFRA (platelet derived growth factor receptor alpha; plus strand). Cytogenetic location: 4q12.
Variant type: single nucleotide variant.
Coding change: c.767A>G on transcript NM_006206.6 (MANE Select); coding-DNA position 767, A replaced by G.
Protein change: p.Lys256Arg; replaces lysine 256 with arginine.
Molecular consequence: missense variant.
Genome position (GRCh38, 1-based): chr4:54,267,296, A>G. VCF-style: chr4-54267296-A-G. GRCh37 (hg19) VCF-style: chr4-55133463-A-G.
Other names: c.767A>G, p.Lys256Arg (NM_001347827.2, NM_001347829.2); c.842A>G, p.Lys281Arg (NM_001347828.2); c.806A>G, p.Lys269Arg (NM_001347830.2); c.767A>G (NM_006206.4); short protein forms K256R, K269R, K281R.
Identifiers: ClinVar variation 1011132 (VCV001011132.18), dbSNP rs1723079299, ClinGen allele CA356891066.

ClinVar aggregate classification (germline): Conflicting classifications of pathogenicity. Review status: criteria provided, conflicting classifications (1 of 4 stars). 2 submissions from 2 submitters: Uncertain significance (1); Likely benign (1). Last evaluated 2026-02-24.

Conditions:
Hereditary cancer-predisposing syndrome. Also called: Neoplastic Syndromes, Hereditary; Hereditary Cancer Syndrome; Hereditary neoplastic syndrome; Tumor predisposition. Identifiers: Orphanet 140162, MedGen C0027672, MeSH D009386, MONDO:0015356.
Gastrointestinal stromal tumor. Also called: Gastrointestinal stromal tumor, somatic; Gastrointestinal stroma tumor. Identifiers: Orphanet 44890, MedGen C0238198, MeSH D046152, MONDO:0011719, OMIM 606764, HP:0100723.

Submissions (2):

Ambry Genetics
Classification: Likely benign for Hereditary cancer-predisposing syndrome. Last evaluated: 2026-02-24. Review status: criteria provided, single submitter. Criteria: Ambry Variant Classification Scheme 2023. Collection method: clinical testing. Allele origin: germline.

Labcorp Genetics (formerly Invitae), Labcorp
Classification: Uncertain significance for Gastrointestinal stromal tumor. Last evaluated: 2022-01-12. Review status: criteria provided, single submitter. Criteria: Invitae Variant Classification Sherloc (09022015). Collection method: clinical testing. Allele origin: germline.
Comment: In summary, the available evidence is currently insufficient to determine the role of this variant in disease. Therefore, it has been classified as a Variant of Uncertain Significance. Algorithms developed to predict the effect of missense changes on protein structure and function (SIFT, PolyPhen-2, Align-GVGD) all suggest that this variant is likely to be tolerated. ClinVar contains an entry for this variant (Variation ID: 1011132). This variant has not been reported in the literature in individuals affected with PDGFRA-related conditions. This variant is not present in population databases (gnomAD no frequency). This sequence change replaces lysine, which is basic and polar, with arginine, which is basic and polar, at codon 256 of the PDGFRA protein (p.Lys256Arg).